The following is an entry in ClinVar:

NM_001197104.2(KMT2A):c.172C>A (p.Pro58Thr)

Gene: KMT2A (lysine methyltransferase 2A; plus strand). Cytogenetic location: 11q23.3.
Variant type: single nucleotide variant.
Coding change: c.172C>A on transcript NM_001197104.2 (MANE Select); coding-DNA position 172, C replaced by A.
Protein change: p.Pro58Thr; replaces proline 58 with threonine.
Molecular consequence: missense variant.
Genome position (GRCh38, 1-based): chr11:118,436,684, C>A. VCF-style: chr11-118436684-C-A. GRCh37 (hg19) VCF-style: chr11-118307399-C-A.
Other names: c.172C>A, p.Pro58Thr (NM_001412597.1, NM_005933.4); short protein forms P58T.
Identifiers: ClinVar variation 2618099 (VCV002618099.5), dbSNP rs1217431375, ClinGen allele CA382797401.

ClinVar aggregate classification (germline): Uncertain significance. Review status: criteria provided, multiple submitters, no conflicts (2 of 4 stars). 2 submissions from 2 submitters: Uncertain significance (2). Last evaluated 2023-10-05.

Conditions:
Inborn genetic diseases. Identifiers: MedGen C0950123, MeSH D030342.

gnomAD v4.1: 25 of 1,275,100 alleles (0.002%); highest among the groups gnomAD compares: Non-Finnish European, 0.0025%; no homozygotes.

Submissions (2):

Labcorp Genetics (formerly Invitae), Labcorp
Classification: Uncertain significance. Last evaluated: 2023-10-05. Review status: criteria provided, single submitter. Criteria: Invitae Variant Classification Sherloc (09022015). Collection method: clinical testing. Allele origin: germline.
Comment: This sequence change replaces proline, which is neutral and non-polar, with threonine, which is neutral and polar, at codon 58 of the KMT2A protein (p.Pro58Thr). This variant is present in population databases (no rsID available, gnomAD 0.2%). This variant has not been reported in the literature in individuals affected with KMT2A-related conditions. Advanced modeling of protein sequence and biophysical properties (such as structural, functional, and spatial information, amino acid conservation, physicochemical variation, residue mobility, and thermodynamic stability) has been performed at Invitae for this missense variant, however the output from this modeling did not meet the statistical confidence thresholds required to predict the impact of this variant on KMT2A protein function. In summary, the available evidence is currently insufficient to determine the role of this variant in disease. Therefore, it has been classified as a Variant of Uncertain Significance.

Ambry Genetics
Classification: Uncertain significance for Inborn genetic diseases. Last evaluated: 2023-08-14. Review status: criteria provided, single submitter. Criteria: Ambry Variant Classification Scheme 2023. Collection method: clinical testing. Allele origin: germline.